The following is an entry in ClinVar:

ClinVar aggregate classification (germline): Likely benign (1 of 4 stars; one submission).

Conditions:
BBS12-related disorder. Also called: BBS12-related condition.

gnomAD v4.1: 3 of 1,614,144 alleles (0.00019%); highest among the groups gnomAD compares: African/African-American, 0.004%; no homozygotes.

Submission:

PreventionGenetics, part of Exact Sciences
Classification: Likely benign for BBS12-related condition. Last evaluated: 2026-07-01. Review status: criteria provided, single submitter. Criteria: ACMG Guidelines, 2015. Collection method: clinical testing. Allele origin: germline.
Comment: This variant is classified as likely benign based on ACMG/AMP sequence variant interpretation guidelines (Richards et al. 2015 PMID: 25741868, with internal and published modifications).

NM_152618.3(BBS12):c.582T>A (p.Leu194=)

Gene: BBS12 (Bardet-Biedl syndrome 12; plus strand). Cytogenetic location: 4q27.
Variant type: single nucleotide variant.
Coding change: c.582T>A on transcript NM_152618.3 (MANE Select); coding-DNA position 582, T replaced by A.
Protein change: p.Leu194=; no amino-acid change (leucine 194 retained).
Molecular consequence: synonymous variant.
Genome position (GRCh38, 1-based): chr4:122,742,474, T>A. VCF-style: chr4-122742474-T-A. GRCh37 (hg19) VCF-style: chr4-123663629-T-A.
Other names: c.582T>A, p.Leu194= (NM_001178007.2).
Identifiers: ClinVar variation 4993113 (VCV004993113.1).